The following is an entry in ClinVar:

NM_000344.4(SMN1):c.326A>G (p.Tyr109Cys)

Gene: SMN1 (survival of motor neuron 1, telomeric). Cytogenetic location: 5q13.2.
Variant type: single nucleotide variant.
Coding change: c.326A>G on transcript NM_000344.4 (MANE Select); coding-DNA position 326, A replaced by G.
Protein change: p.Tyr109Cys; replaces tyrosine 109 with cysteine.
Molecular consequence: missense variant.
Genome position (GRCh38, 1-based): chr5:70,942,410, A>G. VCF-style: chr5-70942410-A-G. GRCh37 (hg19) VCF-style: chr5-70238237-A-G.
Other names: c.326A>G, p.Tyr109Cys (NM_001297715.1, NM_022874.2); short protein forms Y109C.
Identifiers: ClinVar variation 3571591 (VCV003571591.1).

ClinVar aggregate classification (germline): Likely pathogenic (1 of 4 stars; one submission).

Submission:

Athena Diagnostics
Classification: Likely pathogenic. Last evaluated: 2023-11-29. Review status: criteria provided, single submitter. Criteria: Athena Diagnostics Criteria. Collection method: clinical testing. Allele origin: unknown.
Comment: This variant has been identified in at least one individual with clinical features associated with this gene. Frequency data for this variant in the general population cannot be distinguished from that of the SMN2 gene, and is therefore uninformative in assessment of variant pathogenicity (Genome Aggregation Database (gnomAD), Cambridge, MA (URL)). Assessment of experimental evidence suggests this variant results in abnormal protein function. (PMID: 36375840, 36882285)

Literature cited by the submitters: PubMed 27425821; PubMed 32954327; PubMed 36375840; PubMed 36882285; PubMed 30006696.